The following is an entry in ClinVar:

NM_001267550.2(TTN):c.10067C>T (p.Thr3356Ile)

Gene: TTN (titin; minus strand). Cytogenetic location: 2q31.2.
Variant type: single nucleotide variant.
Coding change: c.10067C>T on transcript NM_001267550.2 (MANE Select); coding-DNA position 10067, C replaced by T.
Protein change: p.Thr3356Ile; replaces threonine 3356 with isoleucine.
Molecular consequence: missense variant.
Genome position (GRCh38, 1-based): chr2:178,764,224, G>A on the plus strand (C>T on the coding strand, the complement: TTN is on the minus strand). VCF-style: chr2-178764224-G-A. GRCh37 (hg19) VCF-style: chr2-179628951-G-A.
Other names: p.T3356I:ACT>ATT; c.10067C>T, p.Thr3356Ile (NM_001256850.1, NM_133378.4, NM_133379.5); c.9929C>T, p.Thr3310Ile (NM_003319.4, NM_133432.3, NM_133437.4); short protein forms T3356I, T3310I.
Identifiers: ClinVar variation 203175 (VCV000203175.7), dbSNP rs763323132, ClinGen allele CA311582.

ClinVar aggregate classification (germline): Uncertain significance. Review status: criteria provided, multiple submitters, no conflicts (2 of 4 stars). 4 submissions from 4 submitters: Uncertain significance (4). Last evaluated 2025-10-01.

Conditions:
TTN-related disorder. Also called: TTN-related condition; TTN-related disease; TTN-related disorders.
Cardiomyopathy (CMYO). Also called: Cardiomyopathies. Identifiers: Orphanet 167848, MedGen C0878544, MONDO:0004994, HP:0001638. Inheritance: Various modes of inheritance.

Allele frequency attached by ClinVar (database versions not stated): TOPMed below 0.00001; gnomAD exomes 0.00001; ExAC 0.00002.

Submissions (4):

PreventionGenetics, part of Exact Sciences
Classification: Uncertain significance for TTN-related condition. Last evaluated: 2025-10-01. Review status: criteria provided, single submitter. Criteria: ACMG Guidelines, 2015. Collection method: clinical testing. Allele origin: germline.
Comment: The TTN c.10067C>T variant is predicted to result in the amino acid substitution p.Thr3356Ile. To our knowledge, this variant has not been reported in the literature. This variant is reported in 0.012% of alleles in individuals of African descent in gnomAD. At this time, the clinical significance of this variant is uncertain due to the absence of conclusive functional and genetic evidence.

Revvity Omics, Revvity
Classification: Uncertain significance. Last evaluated: 2021-06-16. Review status: criteria provided, single submitter. Criteria: ACMG Guidelines, 2015. Collection method: clinical testing. Allele origin: germline.

Center for Advanced Laboratory Medicine, UC San Diego Health, University of California San Diego
Classification: Uncertain significance for Cardiomyopathy. Last evaluated: 2017-09-08. Review status: criteria provided, single submitter. Criteria: ACMG Guidelines, 2015. Collection method: clinical testing. Allele origin: germline. Affected: yes. Observed: 1 variant allele.

GeneDx
Classification: Uncertain significance. Last evaluated: 2014-04-16. Review status: criteria provided, single submitter. Criteria: GeneDx Variant Classification (06012015). Collection method: clinical testing. Allele origin: germline. Affected: yes.
Comment: Missense variants in the TTN gene are considered 'unclassified' if they are not previously reported in the literature and do not have >1% frequency in the population to be considered a polymorphism. Research indicates that truncating mutations in the TTN gene are expected to account for approximately 25% of familial and 18% of sporadic idiopathic DCM; however, truncating variants in the TTN gene have been reported in approximately 3% of reported control alleles. There has been little investigation into non-truncating variants. (Herman D et al. Truncations of titin causing dilated cardiomyopathy. N Eng J Med 366:619-628, 2012) The variant is found in DCM-CRDM panel(s).